The following is an entry in ClinVar:

NM_007194.4(CHEK2):c.1009-100_1095+3del

Gene: CHEK2 (checkpoint kinase 2; minus strand). Cytogenetic location: 22q12.1.
Variant type: Deletion.
Coding change: c.1009-100_1095+3del on transcript NM_007194.4 (MANE Select); 100 bases into the intron before coding-DNA position 1009 through 3 bases into the intron after coding-DNA position 1095, 190 bases deleted.
Molecular consequence: splice acceptor variant, splice donor variant. On other transcripts: intron variant (3).
Genome position (GRCh38, 1-based): chr22:28,696,898-28,697,087, 190 bases deleted. GRCh37 (hg19): chr22:29,092,886-29,093,075.
Other names: c.346-100_432+3del (NM_001437942.1, NM_001257387.3); c.808-100_894+3del (NM_001349956.3); c.1009-1214_1009-1025del (NM_145862.3); c.1102-1214_1102-1025del (NM_001438295.1); c.1102-100_1188+3del (NM_001438293.1); c.1138-1214_1138-1025del (NM_001438294.1); c.1138-100_1224+3del (NM_001005735.3).
Identifiers: ClinVar variation 1049247 (VCV001049247.2), dbSNP rs2145815434, ClinGen allele CA2499226067.

ClinVar aggregate classification (germline): Pathogenic (0 of 4 stars; one submission).

Conditions:
Familial cancer of breast. Also called: BREAST CANCER, FAMILIAL; Hereditary breast cancer; hereditary breast carcinoma. Identifiers: Orphanet 227535, MedGen C0346153, MONDO:0016419, OMIM 114480. Disease mechanism: loss of function.

Submission:

Department of Pathology and Laboratory Medicine, Sinai Health System
Classification: Pathogenic for Familial cancer of breast. Review status: no assertion criteria provided. Collection method: clinical testing. Allele origin: unknown. Affected: yes. Observed: 1 variant allele. Study: The Canadian Open Genetics Repository (COGR).
Comment: The CHEK2 c.909-?_1095+?del variant (chr:22 g.29092889_29095925del GRCh37) results in a deletion of exons 9-10, although the precise breakpoints of this deletion were not determined, nor were the effects of this variant on the resulting mRNA or protein product determined. The variant was identified in 119 of 21866 proband chromosomes (frequency: 0.005) as Slavic founder mutations from individuals or families with Non-Hodgkin Lymphoma, prostate cancer, breast cancer, thrombocythemia or thyroid cancer and was present in 27 of 13952 control chromosomes (frequency: 0.002) from healthy individuals (Cybulski 2006, Cybulski 2011, Havranek 2015, Janiszewska 2012, Sioek 2015, Walsh 2006). The variant was also identified in ClinVar (classified as pathogenic by Invitae and one clinical laboratory). The variant was not identified in dbSNP. The variant was not identified in the following control databases: the Exome Aggregation Consortium (August 8th 2016), or the Genome Aggregation Database (Feb 27, 2017). This alteration is predicted to result in a truncated or absent protein and loss of function. Loss of function variants of the CHEK2 gene are an established mechanism of disease in CHEK2 associated cancers and is the type of variant expected to cause the disorder. In summary, based on the above information this variant meets our laboratoryâ€šÃ„Ã´s criteria to be classified as pathogenic.